The following is an entry in ClinVar:

NM_001369.3(DNAH5):c.3849_3850insGTCGCCGTATCATT (p.Leu1284fs)

Genes: DNAH5 (dynein axonemal heavy chain 5; minus strand), DNAH5-AS1 (DNAH5 antisense RNA 1; plus strand). Cytogenetic location: 5p15.2.
Variant type: Insertion.
Coding change: c.3849_3850insGTCGCCGTATCATT on transcript NM_001369.3 (MANE Select); coding-DNA positions 3849 to 3850, GTCGCCGTATCATT inserted.
Protein change: p.Leu1284fs; shifts the reading frame from leucine 1284.
Molecular consequence: frameshift variant.
Genome position: GRCh38 VCF-style: chr5-13867977-G-GAATGATACGGCGAC. GRCh37 (hg19) VCF-style: chr5-13868086-G-GAATGATACGGCGAC.
Other names: short protein forms L1284fs.
Identifiers: ClinVar variation 1725931 (VCV001725931.2), dbSNP rs2546988696, ClinGen allele CA2580072186.
Genomic context (GRCh38, chr5:13,867,977, plus strand): 5'-AGTGCAGTGTATCAACTTTGTCTATCTCTTCCCTTGCTATCAGAAGTCCATATCTGTTAA[G>GAATGATACGGCGAC]CAGGGCATAAGATTCCTAAAAAAAAATAGGAAAAACTTAATTTTGGCCAGTCAGATGCAT-3'

ClinVar aggregate classification (germline): Likely pathogenic (1 of 4 stars; one submission).

Conditions:
Primary ciliary dyskinesia 3. Identifiers: Orphanet 244, MedGen C1837618, MONDO:0012085, OMIM 608644.

Submission:

Myriad Genetics, Inc.
Classification: Likely pathogenic for Primary ciliary dyskinesia 3. Last evaluated: 2022-04-16. Review status: criteria provided, single submitter. Criteria: Myriad Women's Health Autosomal Recessive and X-Linked Classification Criteria (2021). Collection method: clinical testing. Allele origin: unknown.
Comment: NM_001369.2(DNAH5):c.3849_3850ins14(L1284Vfs*12) is expected to be pathogenic in the context of DNAH5-related primary ciliary dyskinesia. This variant is predicted to lead to an abnormal or absent protein product due to the creation of a premature termination codon in DNAH5, a gene where loss-of-function variants are known to be pathogenic. Please note: this variant was assessed in the context of healthy population screening.